The following is an entry in ClinVar:

ClinVar aggregate classification (germline): Likely benign (1 of 4 stars; one submission).

Allele frequency attached by ClinVar (database versions not stated): gnomAD exomes below 0.00001.
gnomAD v4.1: 5 of 1,614,166 alleles (0.00031%); highest among the groups gnomAD compares: African/African-American, 0.004%; no homozygotes.

Submission:

CeGaT Center for Human Genetics Tuebingen
Classification: Likely benign. Last evaluated: 2024-03-01. Review status: criteria provided, single submitter. Criteria: CeGaT Center For Human Genetics Tuebingen Variant Classification Criteria Version 2. Collection method: clinical testing. Allele origin: germline. Affected: yes. Observed: 1 variant allele.
Comment: LUZP1: BP4, BP7

NM_001395462.2(LUZP1):c.1206C>T (p.Leu402=)

Gene: LUZP1 (leucine zipper protein 1; minus strand). Cytogenetic location: 1p36.12.
Variant type: single nucleotide variant.
Coding change: c.1206C>T on transcript NM_001395462.2 (MANE Select); coding-DNA position 1206, C replaced by T.
Protein change: p.Leu402=; no amino-acid change (leucine 402 retained).
Molecular consequence: synonymous variant.
Genome position (GRCh38, 1-based): chr1:23,093,056, G>A on the plus strand (C>T on the coding strand, the complement: LUZP1 is on the minus strand). VCF-style: chr1-23093056-G-A. GRCh37 (hg19) VCF-style: chr1-23419549-G-A.
Other names: c.1206C>T, p.Leu402= (NM_001142546.4, NM_001395461.1, NM_033631.5).
Identifiers: ClinVar variation 3067566 (VCV003067566.21), dbSNP rs1338815015, ClinGen allele CA416686983.